The following is an entry in ClinVar:

ClinVar aggregate classification (germline): Pathogenic (1 of 4 stars; one submission).

Conditions:
Vici syndrome (VICIS). Identifiers: Orphanet 1493, MedGen C1855772, MONDO:0009452, OMIM 242840.

Submission:

Labcorp Genetics (formerly Invitae), Labcorp
Classification: Pathogenic for Vici syndrome. Last evaluated: 2021-04-02. Review status: criteria provided, single submitter. Criteria: Invitae Variant Classification Sherloc (09022015). Collection method: clinical testing. Allele origin: germline.
Comment: For these reasons, this variant has been classified as Pathogenic. This variant has not been reported in the literature in individuals with EPG5-related conditions. This variant is not present in population databases (ExAC no frequency). This sequence change creates a premature translational stop signal (p.Ala1795Leufs*12) in the EPG5 gene. It is expected to result in an absent or disrupted protein product. Loss-of-function variants in EPG5 are known to be pathogenic (PMID: 23222957, 23674064).

Literature cited by the submitters: PubMed 23222957; PubMed 23674064.

NM_020964.3(EPG5):c.5382_5388del (p.Ala1795fs)

Gene: EPG5 (ectopic P-granules 5 autophagy tethering factor; minus strand). Cytogenetic location: 18q12.3.
Variant type: Deletion.
Coding change: c.5382_5388del on transcript NM_020964.3 (MANE Select); coding-DNA positions 5382 to 5388, 7 bases deleted (GGCACTT; older notation c.5382_5388delGGCACTT).
Protein change: p.Ala1795fs; shifts the reading frame from alanine 1795.
Molecular consequence: frameshift variant.
Genome position (GRCh38, 1-based): chr18:45,882,404-45,882,410, AAGTGCC deleted on the plus strand (GGCACTT on the coding strand, the reverse complement: EPG5 is on the minus strand); deleting any 7 consecutive bases within chr18:45,882,404-45,882,415 gives the same sequence; the c. name uses the placement nearest the transcript's 3' end. VCF-style (leftmost placement, unchanged base first): chr18-45882403-TAAGTGCC-T. GRCh37 (hg19) VCF-style: chr18-43462368-TAAGTGCC-T.
Other names: short protein forms A1795fs.
Identifiers: ClinVar variation 1403207 (VCV001403207.7), dbSNP rs2145422618, ClinGen allele CA2573155340.